The following is an entry in ClinVar:

ClinVar aggregate classification (germline): Pathogenic (1 of 4 stars; one submission).

Conditions:
SRD5A3-congenital disorder of glycosylation. Also called: CDG Iq; Ocular colobomas, ichthyosis, brain malformations and endocrine abnormalities; SRD5A3-CDG; COLOBOMA, OCULAR, WITH ICHTHYOSIS, BRAIN MALFORMATIONS, AND ENDOCRINE ABNORMALITIES; Congenital disorder of glycosylation type 1Q. Identifiers: Orphanet 324737, MedGen C4317224, MONDO:0012885, OMIM 612379.

Submission:

Labcorp Genetics (formerly Invitae), Labcorp
Classification: Pathogenic for SRD5A3-congenital disorder of glycosylation. Last evaluated: 2022-07-19. Review status: criteria provided, single submitter. Criteria: Invitae Variant Classification Sherloc (09022015). Collection method: clinical testing. Allele origin: germline.
Comment: This variant is a gross deletion of the genomic region encompassing exon(s) 2 of the SRD5A3 gene. This deletion is out-of-frame, and is expected to create a premature termination codon and result in an absent or disrupted protein product. Loss-of-function variants in SRD5A3 are known to be pathogenic (PMID: 20637498, 20700148, 31638560). This variant has not been reported in the literature in individuals affected with SRD5A3-related conditions. For these reasons, this variant has been classified as Pathogenic.

Literature cited by the submitters: PubMed 20637498; PubMed 20700148; PubMed 31638560.

NC_000004.11:g.(?_56225493)_(56225675_?)del

Gene: SRD5A3 (steroid 5 alpha-reductase 3; plus strand). Cytogenetic location: 4q12.
Variant type: Deletion.
Identifiers: ClinVar variation 1456803 (VCV001456803.7).